The following is an entry in ClinVar:

NM_198576.4(AGRN):c.4779_4793del (p.Gln1593_Cys1597del)

Gene: AGRN (agrin; plus strand). Cytogenetic location: 1p36.33.
Variant type: Deletion.
Coding change: c.4779_4793del on transcript NM_198576.4 (MANE Select); coding-DNA positions 4779 to 4793, 15 bases deleted (GCCCAACCCCTGCCA).
Protein change: p.Gln1593_Cys1597del.
Molecular consequence: inframe deletion.
Genome position (GRCh38, 1-based): chr1:1,049,937-1,049,951, GCCCAACCCCTGCCA deleted; deleting any 15 consecutive bases within chr1:1,049,928-1,049,951 gives the same sequence; the c. name uses the placement nearest the transcript's 3' end. VCF-style (leftmost placement, unchanged base first): chr1-1049927-GCCCCTGCCAGCCCAA-G. GRCh37 (hg19) VCF-style: chr1-985307-GCCCCTGCCAGCCCAA-G.
Other names: c.4779_4793del, p.Gln1593_Cys1597del (NM_001305275.2); c.4464_4478del, p.Gln1488_Cys1492del (NM_001364727.2); c.4779_4793del15 (NM_198576.3).
Identifiers: ClinVar variation 291137 (VCV000291137.16), dbSNP rs769494139, ClinGen allele CA509641.

ClinVar aggregate classification (germline): Conflicting classifications of pathogenicity. Review status: criteria provided, conflicting classifications (1 of 4 stars). 4 submissions from 4 submitters: Uncertain significance (2); Likely benign (1). 1 of the submissions does not count toward it. Last evaluated 2025-08-30.

Conditions:
AGRN-related disorder. Also called: AGRN-related condition.
Congenital myasthenic syndrome 8. Also called: MYASTHENIC SYNDROME, CONGENITAL, DUE TO AGRIN DEFICIENCY; Myasthenic syndrome, congenital, 8, with pre- and postsynaptic defects. Identifiers: Orphanet 590, MedGen C3808739, MONDO:0014052, OMIM 615120.

Submissions (4):

Labcorp Genetics (formerly Invitae), Labcorp
Classification: Likely benign for Congenital myasthenic syndrome 8. Last evaluated: 2025-08-30. Review status: criteria provided, single submitter. Criteria: Invitae Variant Classification Sherloc (09022015). Collection method: clinical testing. Allele origin: germline.

Revvity Omics, Revvity
Classification: Uncertain significance for Congenital myasthenic syndrome 8. Last evaluated: 2021-06-15. Review status: criteria provided, single submitter. Criteria: ACMG Guidelines, 2015. Collection method: clinical testing. Allele origin: germline.

Eurofins Ntd Llc (ga)
Classification: Uncertain significance. Last evaluated: 2016-09-06. Review status: criteria provided, single submitter. Criteria: EGL Classification Definitions 2015. Collection method: clinical testing. Allele origin: germline. Observed: 1 variant allele, 1 heterozygote.

PreventionGenetics, part of Exact Sciences
Classification: Uncertain significance for AGRN-related condition. Last evaluated: 2024-06-08. Review status: no assertion criteria provided. Collection method: clinical testing. Allele origin: germline. Not counted in ClinVar's aggregate classification.
Comment: The AGRN c.4779_4793del15 variant is predicted to result in an in-frame deletion (p.Gln1593_Cys1597del). To our knowledge, this variant has not been reported in the literature. This variant is reported in 0.38% of alleles in individuals of Ashkenazi Jewish descent in gnomAD. At this time, the clinical significance of this variant is uncertain due to the absence of conclusive functional and genetic evidence.